The following is an entry in ClinVar:

NM_004655.4(AXIN2):c.192G>A (p.Glu64=)

Gene: AXIN2 (axin 2; minus strand). Cytogenetic location: 17q24.1.
Variant type: single nucleotide variant.
Coding change: c.192G>A on transcript NM_004655.4 (MANE Select); coding-DNA position 192, G replaced by A.
Protein change: p.Glu64=; no amino-acid change (glutamic acid 64 retained).
Molecular consequence: synonymous variant.
Genome position (GRCh38, 1-based): chr17:65,558,429, C>T on the plus strand (G>A on the coding strand, the complement: AXIN2 is on the minus strand). VCF-style: chr17-65558429-C-T. GRCh37 (hg19) VCF-style: chr17-63554547-C-T.
Other names: c.192G>A, p.Glu64= (NM_001363813.1).
Identifiers: ClinVar variation 3254318 (VCV003254318.2), dbSNP rs2544254095.

ClinVar aggregate classification (germline): Benign/Likely benign. Review status: criteria provided, multiple submitters, no conflicts (2 of 4 stars). 2 submissions from 2 submitters: Benign (1); Likely benign (1). Last evaluated 2025-11-02.

Conditions:
Oligodontia-cancer predisposition syndrome. Also called: TOOTH AGENESIS-COLORECTAL CANCER SYNDROME. Identifiers: Orphanet 300576, MedGen C1837750, MONDO:0012075, OMIM 608615. Disease mechanism: loss of function.
Hereditary cancer-predisposing syndrome. Also called: Hereditary Cancer Syndrome; Tumor predisposition; Hereditary neoplastic syndrome; Neoplastic Syndromes, Hereditary. Identifiers: Orphanet 140162, MedGen C0027672, MeSH D009386, MONDO:0015356.

Allele frequency attached by ClinVar (database versions not stated): gnomAD exomes below 0.00001.
gnomAD v4.1: 1 of 1,599,398 alleles (0.000063%); highest among the groups gnomAD compares: Non-Finnish European, 0.000085%; no homozygotes.

Submissions (2):

Ambry Genetics
Classification: Likely benign for Hereditary cancer-predisposing syndrome. Last evaluated: 2025-11-02. Review status: criteria provided, single submitter. Criteria: Ambry Variant Classification Scheme 2023. Collection method: clinical testing. Allele origin: germline.

Myriad Genetics, Inc.
Classification: Benign for Oligodontia-cancer predisposition syndrome. Last evaluated: 2024-06-25. Review status: criteria provided, single submitter. Criteria: Myriad Autosomal Dominant, Autosomal Recessive and X-Linked Classification Criteria (2023). Collection method: clinical testing. Allele origin: unknown.
Comment: This variant is considered benign. This variant is a silent/synonymous amino acid change and it is not expected to impact splicing.